The following is an entry in ClinVar:

ClinVar aggregate classification (germline): Pathogenic. Review status: criteria provided, multiple submitters, no conflicts (2 of 4 stars). 7 submissions from 7 submitters: Pathogenic (6). 1 of the submissions does not count toward it. Last evaluated 2025-11-09.

Conditions:
Metachromatic leukodystrophy (MLD). Also called: Cerebral sclerosis diffuse metachromatic form; Arylsulfatase A Deficiency; ARSA DEFICIENCY; CEREBROSIDE SULFATASE DEFICIENCY; METACHROMATIC LEUKOENCEPHALOPATHY; SULFATIDE LIPIDOSIS. Identifiers: Orphanet 512, MedGen C0023522, MONDO:0018868, OMIM 250100.

Submissions (7):

Dasa
Classification: Pathogenic. Last evaluated: 2025-11-09. Review status: criteria provided, single submitter. Criteria: DASA Assertion Criteria. Collection method: clinical testing. Allele origin: germline.
Comment: NM_000487.6(ARSA):c.1223_1231del (p.Ser408_Thr410del) is a sequence variant. This variant has been recurrently observed in individuals with related phenotype (PMID: 9490297; PMID: 12809637; PMID: 18786133; PMID: 22993277; PMID: 23559313). The variant is present at low frequency in population datasets. Based on the available data, this variant is classified as pathogenic.

Natera, Inc.
Classification: Pathogenic for Metachromatic leukodystrophy. Last evaluated: 2025-09-20. Review status: criteria provided, single submitter. Criteria: Natera Variant Classification Schema (03/2026). Collection method: clinical testing. Allele origin: germline.
Comment: The c.1223_1231delGTGATACCA variant in ARSA is an in-frame deletion. This variant is rare in the general population with a frequency below the threshold expected for the associated phenotype(s). This variant has been observed in one or more individuals affected with the associated recessive disease, as either homozygous or compound heterozygous with a second variant (PMID: 37480112). This variant results in a change to the protein length while preserving reading frame, which may disrupt normal protein structure or function. Given the available evidence, this variant is classified as Pathogenic.

CeGaT Center for Human Genetics Tuebingen
Classification: Pathogenic. Last evaluated: 2025-04-01. Review status: criteria provided, single submitter. Criteria: CeGaT Center For Human Genetics Tuebingen Variant Classification Criteria Version 2. Collection method: clinical testing. Allele origin: germline. Affected: yes. Observed: 4 variant alleles.
Comment: ARSA: PM3:Very Strong, PM2, PM4, PP4

Labcorp Genetics (formerly Invitae), Labcorp
Classification: Pathogenic for Metachromatic leukodystrophy. Last evaluated: 2024-01-11. Review status: criteria provided, single submitter. Criteria: Invitae Variant Classification Sherloc (09022015). Collection method: clinical testing. Allele origin: germline.
Comment: This variant, c.1223_1231del, results in the deletion of 3 amino acid(s) of the ARSA protein (p.Ser408_Thr410del), but otherwise preserves the integrity of the reading frame. This variant is present in population databases (rs765905826, gnomAD 0.003%). This variant has been observed in individual(s) with metachromatic leukodystrophy (PMID: 9490297, 12809637, 18786133, 22993277, 23559313). This variant is also known as c.1215_1223del, c.1216-24del9, c.1216del9, c.1217_1225del, and 2320del9. ClinVar contains an entry for this variant (Variation ID: 189170). For these reasons, this variant has been classified as Pathogenic.

Fulgent Genetics
Classification: Pathogenic for Metachromatic leukodystrophy. Last evaluated: 2021-12-07. Review status: criteria provided, single submitter. Criteria: ACMG Guidelines, 2015. Collection method: clinical testing. Allele origin: unknown.

Women's Health and Genetics/Laboratory Corporation of America, LabCorp
Classification: Pathogenic for Metachromatic leukodystrophy. Last evaluated: 2020-12-11. Review status: criteria provided, single submitter. Criteria: LabCorp Variant Classification Summary - May 2015. Collection method: clinical testing. Allele origin: germline.
Comment: Variant summary: ARSA c.1223_1231delGTGATACCA (p.Ser408_Thr410del) results in an in-frame deletion that is predicted to remove three amino acids from the encoded protein. The variant allele was found at a frequency of 8.4e-06 in 238866 control chromosomes. c.1223_1231delGTGATACCA has been reported in the literature in multiple individuals affected with Metachromatic Leukodystrophy (Regis_1998, Biffi_2008, Cesani_2015, Rafi_2003, Galla_2013). These data indicate that the variant is very likely to be associated with disease. The variant results in significantly reduced enzyme activity (Regis_1998). Two clinical diagnostic laboratories have submitted clinical-significance assessments for this variant to ClinVar after 2014 without evidence for independent evaluation. All laboratories classified the variant as pathogenic/likely pathogenic. Based on the evidence outlined above, the variant was classified as pathogenic.

Counsyl
Classification: Likely pathogenic for Metachromatic leukodystrophy. Last evaluated: 2015-02-02. Review status: no assertion criteria provided. Collection method: literature only. Allele origin: unknown. Inheritance: Autosomal recessive inheritance. Not counted in ClinVar's aggregate classification.

Literature cited by the submitters: PubMed 9490297 (cited by 4 submitters); PubMed 12809637 (cited by 4 submitters); PubMed 18786133 (cited by 4 submitters); PubMed 22993277 (cited by 3 submitters); PubMed 23559313 (cited by 4 submitters); PubMed 37480112 (cited by Natera, Inc.); PubMed 26462614 (cited by Women's Health and Genetics/Laboratory Corporation of America, LabCorp).

NM_000487.6(ARSA):c.1223_1231del (p.Ser408_Thr410del)

Gene: ARSA (arylsulfatase A; minus strand). Cytogenetic location: 22q13.33.
Variant type: Deletion.
Coding change: c.1223_1231del on transcript NM_000487.6 (MANE Select); coding-DNA positions 1223 to 1231, 9 bases deleted (GTGATACCA; older notation c.1223_1231delGTGATACCA).
Protein change: p.Ser408_Thr410del.
Molecular consequence: inframe deletion.
Genome position (GRCh38, 1-based): chr22:50,625,444-50,625,452, TGGTATCAC deleted on the plus strand (GTGATACCA on the coding strand, the reverse complement: ARSA is on the minus strand); deleting any 9 consecutive bases within chr22:50,625,444-50,625,454 gives the same sequence; the c. name uses the placement nearest the transcript's 3' end. VCF-style (leftmost placement, unchanged base first): chr22-50625443-GTGGTATCAC-G. GRCh37 (hg19) VCF-style: chr22-51063871-GTGGTATCAC-G.
Other names: c.1223_1231del, p.Ser408_Thr410del (NM_001085425.3, NM_001085426.3, NM_001085427.3); c.965_973del, p.Ser322_Thr324del (NM_001085428.3, NM_001362782.2); c.1223_1231delGTGATACCA (NM_000487.5); c.1223_1231del (NM_000487.5).
Identifiers: ClinVar variation 189170 (VCV000189170.51), dbSNP rs765905826, ClinGen allele CA278488.